The following is an entry in ClinVar:

ClinVar aggregate classification (germline): Uncertain significance (1 of 4 stars; one submission).

Submission:

Labcorp Genetics (formerly Invitae), Labcorp
Classification: Uncertain significance. Last evaluated: 2025-02-27. Review status: criteria provided, single submitter. Criteria: Invitae Variant Classification Sherloc (09022015). Collection method: clinical testing. Allele origin: germline.
Comment: This sequence change falls in intron 82 of the COL7A1 gene. It does not directly change the encoded amino acid sequence of the COL7A1 protein. It affects a nucleotide within the consensus splice site. This variant is not present in population databases (gnomAD no frequency). This variant has not been reported in the literature in individuals affected with COL7A1-related conditions. Variants that disrupt the consensus splice site are a relatively common cause of aberrant splicing (PMID: 17576681, 9536098). Algorithms developed to predict the effect of sequence changes on RNA splicing suggest that this variant may disrupt the consensus splice site. In summary, the available evidence is currently insufficient to determine the role of this variant in disease. Therefore, it has been classified as a Variant of Uncertain Significance.

Literature cited by the submitters: PubMed 17576681; PubMed 9536098.

NM_000094.4(COL7A1):c.6619-3C>T

Gene: COL7A1 (collagen type VII alpha 1 chain; minus strand). Cytogenetic location: 3p21.31.
Variant type: single nucleotide variant.
Coding change: c.6619-3C>T on transcript NM_000094.4 (MANE Select); 3 bases into the intron before coding-DNA position 6619, C replaced by T.
Molecular consequence: intron variant.
Genome position (GRCh38, 1-based): chr3:48,573,351, G>A on the plus strand (C>T on the coding strand, the complement: COL7A1 is on the minus strand). VCF-style: chr3-48573351-G-A. GRCh37 (hg19) VCF-style: chr3-48610784-G-A.
Identifiers: ClinVar variation 4766895 (VCV004766895.1).